The following is an entry in ClinVar:

ClinVar aggregate classification (germline): Benign/Likely benign. Review status: criteria provided, multiple submitters, no conflicts (2 of 4 stars). 5 submissions from 5 submitters: Benign (1); Likely benign (4). Last evaluated 2025-10-27.

Conditions:
CHEK2-related cancer predisposition (TPDS4). Also called: CHEK2-related cancer susceptibility; TUMOR PREDISPOSITION SYNDROME 4; CANCER PREDISPOSITION SYNDROME, CHEK2-RELATED. Identifiers: Orphanet 524, MedGen C5882668, MONDO:0700271, OMIM 609265.
Hereditary cancer-predisposing syndrome. Also called: Hereditary neoplastic syndrome; Tumor predisposition; Hereditary Cancer Syndrome; Neoplastic Syndromes, Hereditary. Identifiers: Orphanet 140162, MedGen C0027672, MeSH D009386, MONDO:0015356.
Familial cancer of breast. Also called: Hereditary breast cancer; hereditary breast carcinoma; BREAST CANCER, FAMILIAL. Identifiers: Orphanet 227535, MedGen C0346153, MONDO:0016419, OMIM 114480. Disease mechanism: loss of function.

Allele frequency attached by ClinVar (database versions not stated): gnomAD below 0.00001 and 0.00001; TOPMed below 0.00001; gnomAD exomes 0.00002 and 0.00003; ExAC 0.00009.

Submissions (5):

Labcorp Genetics (formerly Invitae), Labcorp
Classification: Likely benign for Familial cancer of breast. Last evaluated: 2025-10-27. Review status: criteria provided, single submitter. Criteria: Invitae Variant Classification Sherloc (09022015). Collection method: clinical testing. Allele origin: germline.

Myriad Genetics, Inc.
Classification: Benign for Familial cancer of breast. Last evaluated: 2024-10-03. Review status: criteria provided, single submitter. Criteria: Myriad Autosomal Dominant, Autosomal Recessive and X-Linked Classification Criteria (2023). Collection method: clinical testing. Allele origin: unknown.
Comment: This variant is considered benign. This variant is intronic and is not expected to impact mRNA splicing.

Department of Pathology and Laboratory Medicine, Sinai Health System
Classification: Likely benign for CHEK2-related cancer predisposition. Last evaluated: 2023-03-08. Review status: criteria provided, single submitter. Criteria: ACMG Guidelines, 2015. Collection method: clinical testing. Allele origin: germline. Affected: yes.

GeneDx
Classification: Likely benign. Last evaluated: 2019-05-21. Review status: criteria provided, single submitter. Criteria: GeneDx Variant Classification Process June 2021. Collection method: clinical testing. Allele origin: germline. Affected: yes.

Color Diagnostics, LLC DBA Color Health
Classification: Likely benign for Hereditary cancer-predisposing syndrome. Last evaluated: 2017-07-28. Review status: criteria provided, single submitter. Criteria: ACMG Guidelines, 2015. Collection method: clinical testing. Allele origin: germline.

NM_007194.4(CHEK2):c.847-30_847-11dup

Gene: CHEK2 (checkpoint kinase 2; minus strand). Cytogenetic location: 22q12.1.
Variant type: Duplication.
Coding change: c.847-30_847-11dup on transcript NM_007194.4 (MANE Select); 30 bases into the intron before coding-DNA position 847 through 11 bases into the intron before coding-DNA position 847, 20 bases duplicated (ACTTTCCCTTTTTTCTCCCC).
Molecular consequence: intron variant.
Genome position (GRCh38, 1-based): chr22:28,703,577-28,703,596, GGGGAGAAAAAAGGGAAAGT duplicated on the plus strand (ACTTTCCCTTTTTTCTCCCC on the coding strand, the reverse complement: CHEK2 is on the minus strand). VCF-style (leftmost placement, unchanged base first): chr22-28703576-G-GGGGGAGAAAAAAGGGAAAGT. GRCh37 (hg19) VCF-style: chr22-29099564-G-GGGGGAGAAAAAAGGGAAAGT.
Other names: c.184-30_184-11dup (NM_001437942.1, NM_001257387.3); c.646-30_646-11dup (NM_001349956.3); c.847-30_847-11dup (NM_145862.3); c.940-30_940-11dup (NM_001438295.1, NM_001438293.1); c.976-30_976-11dup (NM_001438294.1, NM_001005735.3).
Identifiers: ClinVar variation 491646 (VCV000491646.15), dbSNP rs760398606, ClinGen allele CA10167797.